The following is an entry in ClinVar:

ClinVar aggregate classification (germline): Likely benign (1 of 4 stars; one submission).

Submission:

CeGaT Center for Human Genetics Tuebingen
Classification: Likely benign. Last evaluated: 2023-03-01. Review status: criteria provided, single submitter. Criteria: CeGaT Center For Human Genetics Tuebingen Variant Classification Criteria Version 2. Collection method: clinical testing. Allele origin: germline. Affected: yes. Observed: 2 variant alleles.
Comment: SLC37A1: BS2

NM_001320537.2(SLC37A1):c.1423+1791_1423+1795del

Gene: SLC37A1 (solute carrier family 37 member 1; plus strand). Cytogenetic location: 21q22.3.
Variant type: Deletion.
Coding change: c.1423+1791_1423+1795del on transcript NM_001320537.2 (MANE Select); bases 1791 to 1795 of the intron after coding-DNA position 1423, 5 bases deleted (CCATG; older notation c.1423+1791_1423+1795delCCATG).
Molecular consequence: intron variant.
Genome position (GRCh38, 1-based): chr21:42,570,229-42,570,233, CCATG deleted; deleting any 5 consecutive bases within chr21:42,570,227-42,570,233 gives the same sequence; the c. name uses the placement nearest the transcript's 3' end. VCF-style (leftmost placement, unchanged base first): chr21-42570226-TTGCCA-T. GRCh37 (hg19) VCF-style: chr21-43990336-TTGCCA-T.
Other names: c.1423+1791_1423+1795del (NM_018964.4).
Identifiers: ClinVar variation 2652713 (VCV002652713.24), dbSNP rs762288708, ClinGen allele CA321586268.